The following is an entry in ClinVar:

ClinVar aggregate classification (germline): Conflicting classifications of pathogenicity. Review status: criteria provided, conflicting classifications (1 of 4 stars). 2 submissions from 2 submitters: Uncertain significance (1); Likely benign (1). Last evaluated 2025-12-15.

Conditions:
Inborn genetic diseases. Identifiers: MedGen C0950123, MeSH D030342.

Allele frequency attached by ClinVar (database versions not stated): TOPMed 0.00005; gnomAD 0.00002; gnomAD exomes 0.00004; ExAC 0.00005.
gnomAD v4.1: 27 of 1,613,950 alleles (0.0017%); highest among the groups gnomAD compares: Admixed American, 0.045%; no homozygotes.

Submissions (2):

Ambry Genetics
Classification: Likely benign for Inborn genetic diseases. Last evaluated: 2025-12-15. Review status: criteria provided, single submitter. Criteria: Ambry Variant Classification Scheme 2023. Collection method: clinical testing. Allele origin: germline.

Labcorp Genetics (formerly Invitae), Labcorp
Classification: Uncertain significance. Last evaluated: 2025-01-27. Review status: criteria provided, single submitter. Criteria: Invitae Variant Classification Sherloc (09022015). Collection method: clinical testing. Allele origin: germline.
Comment: This sequence change replaces proline, which is neutral and non-polar, with glutamine, which is neutral and polar, at codon 474 of the SLC16A1 protein (p.Pro474Gln). This variant is present in population databases (rs766153715, gnomAD 0.06%). This variant has not been reported in the literature in individuals affected with SLC16A1-related conditions. ClinVar contains an entry for this variant (Variation ID: 2156624). An algorithm developed to predict the effect of missense changes on protein structure and function outputs the following: PolyPhen-2: "Benign". The glutamine amino acid residue is found in multiple mammalian species, which suggests that this missense change does not adversely affect protein function. In summary, the available evidence is currently insufficient to determine the role of this variant in disease. Therefore, it has been classified as a Variant of Uncertain Significance.

NM_003051.4(SLC16A1):c.1421C>A (p.Pro474Gln)

Gene: SLC16A1 (solute carrier family 16 member 1; minus strand). Cytogenetic location: 1p13.2.
Variant type: single nucleotide variant.
Coding change: c.1421C>A on transcript NM_003051.4 (MANE Select); coding-DNA position 1421, C replaced by A.
Protein change: p.Pro474Gln; replaces proline 474 with glutamine.
Molecular consequence: missense variant.
Genome position (GRCh38, 1-based): chr1:112,913,973, G>T on the plus strand (C>A on the coding strand, the complement: SLC16A1 is on the minus strand). VCF-style: chr1-112913973-G-T. GRCh37 (hg19) VCF-style: chr1-113456595-G-T.
Other names: c.1421C>A (NM_003051.3); c.1421C>A, p.Pro474Gln (NM_001166496.2); short protein forms P474Q.
Identifiers: ClinVar variation 2156624 (VCV002156624.5), dbSNP rs766153715, ClinGen allele CA1011244.
Genomic context (GRCh38, chr1:112,913,973, plus strand): 5'-TTGGGCCCTCCATCTGTGTCTTTCTGGTCCGGAGATTCTGCTGCTTTGGTAACTTCATTT[G>T]GCTTCCCAGCAACATCTATACTGGTCTCTTCCTCTTTACTTTCCTTTTTCTGCTCGTTTG-3'
Protein context (NP_003042.3, residues 464-484): EETSIDVAGK[Pro474Gln]NEVTKAAESP